The following is an entry in ClinVar:

NM_001754.5(RUNX1):c.790C>G (p.Gln264Glu)

Gene: RUNX1 (RUNX family transcription factor 1; minus strand). Cytogenetic location: 21q22.12.
Variant type: single nucleotide variant.
Coding change: c.790C>G on transcript NM_001754.5 (MANE Select); coding-DNA position 790, C replaced by G.
Protein change: p.Gln264Glu; replaces glutamine 264 with glutamic acid.
Molecular consequence: missense variant.
Genome position (GRCh38, 1-based): chr21:34,834,425, G>C on the plus strand (C>G on the coding strand, the complement: RUNX1 is on the minus strand). VCF-style: chr21-34834425-G-C. GRCh37 (hg19) VCF-style: chr21-36206722-G-C.
Other names: NM_001754.5(RUNX1):c.790C>G; p.Gln264Glu; c.709C>G, p.Gln237Glu (NM_001001890.3, NM_001122607.2); short protein forms Q237E, Q264E.
Identifiers: ClinVar variation 663526 (VCV000663526.10), dbSNP rs765362075, ClinGen allele CA10014357.
Genomic context (GRCh38, chr21:34,834,425, plus strand): 5'-CCCAGGTGCAGGAGAGGCGGGCAGTGGGCTCCATCTGGTACTTACCCTGCATCTGACTCT[G>C]AGGCTGAGGGTTAAAGGCAGTGGAGTGGTTCAGGGAGGCACGAGGGTTGGGCGTGGGGGC-3'
Protein context (NP_001745.2, residues 254-274): NHSTAFNPQP[Gln264Glu]SQMQDTRQIQ

ClinVar aggregate classification (germline): Uncertain significance. Review status: reviewed by expert panel (3 of 4 stars). 3 submissions from 3 submitters: Uncertain significance (1). 2 of the submissions do not count toward it. Last evaluated 2024-07-25.

Conditions:
Hereditary thrombocytopenia and hematological cancer predisposition syndrome associated with RUNX1. Also called: Familial Platelet Disorder with Propensity to Acute Myelogenous Leukemia; Familial thrombocytopenia with propensity to acute myelogenous leukemia; RUNX1 Familial Platelet Disorder with Associated Myeloid Malignancies; PLATELET DISORDER, ASPIRIN-LIKE. Identifiers: Orphanet 71290, MedGen C1832388, MeSH C563324, MONDO:0100083, OMIM 601399.
Hereditary thrombocytopenia and hematologic cancer predisposition syndrome. Identifiers: Orphanet 71290, MedGen CN281654, MONDO:0011071.
Inborn genetic diseases. Identifiers: MedGen C0950123, MeSH D030342.

Allele frequency attached by ClinVar (database versions not stated): ExAC 0.00001; gnomAD exomes below 0.00001.
gnomAD v4.1: 1 of 1,609,200 alleles (0.000062%); highest among the groups gnomAD compares: Non-Finnish European, 0.000085%; no homozygotes.

Submissions (3):

ClinGen Myeloid Malignancy Variant Curation Expert Panel
Classification: Uncertain significance for Hereditary thrombocytopenia and hematologic cancer predisposition syndrome. Last evaluated: 2024-07-25. Review status: reviewed by expert panel. Criteria: ClinGen MyeloMalig ACMG Specifications v2. Collection method: curation. Allele origin: germline. Inheritance: Autosomal dominant inheritance.
Comment: The NM_001754.5(RUNX1):c.790C>G (p.Gln264Glu) is a missense variant which does not meet any ACMG/AMP criteria. In summary, the clinical significance of this variant is uncertain. ACMG/AMP criteria applied, as specified by the Myeloid Malignancy Variant Curation Expert Panel for RUNX1: None.

Ambry Genetics
Classification: Uncertain significance for Inborn genetic diseases. Last evaluated: 2025-04-20. Review status: criteria provided, single submitter. Criteria: Ambry Variant Classification Scheme 2023. Collection method: clinical testing. Allele origin: germline. Not counted in ClinVar's aggregate classification.
Comment: The p.Q264E variant (also known as c.790C>G), located in coding exon 6 of the RUNX1 gene, results from a C to G substitution at nucleotide position 790. The glutamine at codon 264 is replaced by glutamic acid, an amino acid with highly similar properties. This amino acid position is conserved. In addition, the in silico prediction for this alteration is inconclusive. Based on the available evidence, the clinical significance of this variant remains unclear.

Labcorp Genetics (formerly Invitae), Labcorp
Classification: Uncertain significance for Hereditary thrombocytopenia and hematological cancer predisposition syndrome associated with RUNX1. Last evaluated: 2024-05-13. Review status: criteria provided, single submitter. Criteria: Invitae Variant Classification Sherloc (09022015). Collection method: clinical testing. Allele origin: germline. Not counted in ClinVar's aggregate classification.
Comment: This sequence change replaces glutamine, which is neutral and polar, with glutamic acid, which is acidic and polar, at codon 264 of the RUNX1 protein (p.Gln264Glu). This variant is present in population databases (rs765362075, gnomAD 0.0009%). This variant has not been reported in the literature in individuals affected with RUNX1-related conditions. ClinVar contains an entry for this variant (Variation ID: 663526). Advanced modeling of protein sequence and biophysical properties (such as structural, functional, and spatial information, amino acid conservation, physicochemical variation, residue mobility, and thermodynamic stability) performed at Invitae indicates that this missense variant is not expected to disrupt RUNX1 protein function with a negative predictive value of 80%. In summary, the available evidence is currently insufficient to determine the role of this variant in disease. Therefore, it has been classified as a Variant of Uncertain Significance.